The following is an entry in ClinVar:

ClinVar aggregate classification (germline): Uncertain significance (1 of 4 stars; one submission).

Submission:

Labcorp Genetics (formerly Invitae), Labcorp
Classification: Uncertain significance. Last evaluated: 2022-05-08. Review status: criteria provided, single submitter. Criteria: Invitae Variant Classification Sherloc (09022015). Collection method: clinical testing. Allele origin: germline.
Comment: This variant is not present in population databases (gnomAD no frequency). This sequence change replaces arginine, which is basic and polar, with threonine, which is neutral and polar, at codon 1131 of the ZNF335 protein (p.Arg1131Thr). This variant has not been reported in the literature in individuals affected with ZNF335-related conditions. Algorithms developed to predict the effect of missense changes on protein structure and function (SIFT, PolyPhen-2, Align-GVGD) all suggest that this variant is likely to be tolerated. In summary, the available evidence is currently insufficient to determine the role of this variant in disease. Therefore, it has been classified as a Variant of Uncertain Significance.

NM_022095.4(ZNF335):c.3392G>C (p.Arg1131Thr)

Gene: ZNF335 (zinc finger protein 335; minus strand). Cytogenetic location: 20q13.12.
Variant type: single nucleotide variant.
Coding change: c.3392G>C on transcript NM_022095.4 (MANE Select); coding-DNA position 3392, G replaced by C.
Protein change: p.Arg1131Thr; replaces arginine 1131 with threonine.
Molecular consequence: missense variant.
Genome position (GRCh38, 1-based): chr20:45,950,314, C>G on the plus strand (G>C on the coding strand, the complement: ZNF335 is on the minus strand). VCF-style: chr20-45950314-C-G. GRCh37 (hg19) VCF-style: chr20-44578953-C-G.
Other names: short protein forms R1131T.
Identifiers: ClinVar variation 2098602 (VCV002098602.2), dbSNP rs114864530, ClinGen allele CA409235513.
Genomic context (GRCh38, chr20:45,950,314, plus strand): 5'-AGGATGATGGTCTGGGTTGGGGTCTGGGTAGGGGCCCGGGCTGTAGGGGTTCCTGACTTC[C>G]TCCCATCAGGACTGTGCAGCCGCTGGATGTGGAACTTGAGGTGCCCGTTACGGTTGAAAC-3'
Protein context (NP_071378.1, residues 1121-1141): HIQRLHSPDG[Arg1131Thr]KSGTPTARAP